The following is an entry in ClinVar:

ClinVar aggregate classification (germline): Likely benign (1 of 4 stars; one submission).

Allele frequency attached by ClinVar (database versions not stated): gnomAD exomes below 0.00001; TOPMed 0.00001; gnomAD 0.00001 and 0.00003.

Submission:

GeneDx
Classification: Likely benign. Last evaluated: 2017-07-17. Review status: criteria provided, single submitter. Criteria: GeneDx Variant Classification (06012015). Collection method: clinical testing. Allele origin: germline. Affected: yes.
Comment: This variant is considered likely benign or benign based on one or more of the following criteria: it is a conservative change, it occurs at a poorly conserved position in the protein, it is predicted to be benign by multiple in silico algorithms, and/or has population frequency not consistent with disease.

NM_138395.4(MARS2):c.933C>T (p.Asp311=)

Gene: MARS2 (methionyl-tRNA synthetase 2, mitochondrial; plus strand). Cytogenetic location: 2q33.1.
Variant type: single nucleotide variant.
Coding change: c.933C>T on transcript NM_138395.4 (MANE Select); coding-DNA position 933, C replaced by T.
Protein change: p.Asp311=; no amino-acid change (aspartic acid 311 retained).
Molecular consequence: synonymous variant.
Genome position (GRCh38, 1-based): chr2:197,706,338, C>T. VCF-style: chr2-197706338-C-T. GRCh37 (hg19) VCF-style: chr2-198571062-C-T.
Identifiers: ClinVar variation 510579 (VCV000510579.1), dbSNP rs1319119920, ClinGen allele CA430823715.